The following is an entry in ClinVar:

NM_001458.5(FLNC):c.6218G>A (p.Gly2073Asp)

Genes: FLNC (filamin C; plus strand), FLNC-AS1 (FLNC antisense RNA 1; minus strand). Cytogenetic location: 7q32.1.
Variant type: single nucleotide variant.
Coding change: c.6218G>A on transcript NM_001458.5 (MANE Select); coding-DNA position 6218, G replaced by A.
Protein change: p.Gly2073Asp; replaces glycine 2073 with aspartic acid.
Molecular consequence: missense variant.
Genome position (GRCh38, 1-based): chr7:128,853,478, G>A. VCF-style: chr7-128853478-G-A. GRCh37 (hg19) VCF-style: chr7-128493532-G-A.
Other names: c.6119G>A, p.Gly2040Asp (NM_001127487.2); short protein forms G2040D, G2073D.
Identifiers: ClinVar variation 1980799 (VCV001980799.4), dbSNP rs922864783, ClinGen allele CA369211833.
Genomic context (GRCh38, chr7:128,853,478, plus strand): 5'-TGGCTTGGCCAGCCTAGGACTGAGGGAGATGTGTTCCTTGCTTTCCCCCAGGTTATGGGG[G>A]CTTGGGGCTGAGTATTGAAGGCCCAAGCAAGGTGGACATCAACTGTGAGGACATGGAGGA-3'
Protein context (NP_001449.3, residues 2063-2083): IVDTRNAGYG[Gly2073Asp]LGLSIEGPSK

ClinVar aggregate classification (germline): Uncertain significance (1 of 4 stars; one submission).

Conditions:
Myofibrillar myopathy 5. Also called: Filaminopathy (type); FILAMINOPATHY, AUTOSOMAL DOMINANT. Identifiers: Orphanet 171445, MedGen C1836050, MONDO:0012289, OMIM 609524.
Hypertrophic cardiomyopathy 26. Also called: Cardiomyopathy, familial hypertrophic, 26. Identifiers: Orphanet 75249, MedGen C4310749, MONDO:0014883, OMIM 617047.
Distal myopathy with posterior leg and anterior hand involvement. Also called: WILLIAMS DISTAL MYOPATHY. Identifiers: Orphanet 63273, MedGen C3279722, MONDO:0013550, OMIM 614065.

gnomAD v4.1: 1 of 1,613,894 alleles (0.000062%); highest among the groups gnomAD compares: Non-Finnish European, 0.000085%; no homozygotes.

Submission:

Labcorp Genetics (formerly Invitae), Labcorp
Classification: Uncertain significance for Distal myopathy with posterior leg and anterior hand involvement; Myofibrillar myopathy 5; Hypertrophic cardiomyopathy 26. Last evaluated: 2025-10-29. Review status: criteria provided, single submitter. Criteria: Invitae Variant Classification Sherloc (09022015). Collection method: clinical testing. Allele origin: germline.
Comment: This sequence change replaces glycine, which is neutral and non-polar, with aspartic acid, which is acidic and polar, at codon 2073 of the FLNC protein (p.Gly2073Asp). This variant is not present in population databases (gnomAD no frequency). This variant has not been reported in the literature in individuals affected with FLNC-related conditions. ClinVar contains an entry for this variant (Variation ID: 1980799). Invitae Evidence Modeling of protein sequence and biophysical properties (such as structural, functional, and spatial information, amino acid conservation, physicochemical variation, residue mobility, and thermodynamic stability) has been performed for this missense variant. However, the output from this modeling did not meet the statistical confidence thresholds required to predict the impact of this variant on FLNC protein function. In summary, the available evidence is currently insufficient to determine the role of this variant in disease. Therefore, it has been classified as a Variant of Uncertain Significance.